The following is an entry in ClinVar:

NM_015189.3(EXOC6B):c.966G>A (p.Gln322=)

Gene: EXOC6B (exocyst complex component 6B; minus strand). Cytogenetic location: 2p13.2.
Variant type: single nucleotide variant.
Coding change: c.966G>A on transcript NM_015189.3 (MANE Select); coding-DNA position 966, G replaced by A.
Protein change: p.Gln322=; no amino-acid change (glutamine 322 retained).
Molecular consequence: synonymous variant. On other transcripts: non-coding transcript variant (2).
Genome position (GRCh38, 1-based): chr2:72,515,076, C>T on the plus strand (G>A on the coding strand, the complement: EXOC6B is on the minus strand). VCF-style: chr2-72515076-C-T. GRCh37 (hg19) VCF-style: chr2-72742205-C-T.
Other names: c.966G>A, p.Gln322= (NM_001321729.2, NM_001321730.2, NM_001321731.2 and 1 more transcripts); c.627G>A, p.Gln209= (NM_001321734.2).
Identifiers: ClinVar variation 4535191 (VCV004535191.6).

ClinVar aggregate classification (germline): Likely benign (1 of 4 stars; one submission).

Submission:

CeGaT Center for Human Genetics Tuebingen
Classification: Likely benign. Last evaluated: 2025-11-01. Review status: criteria provided, single submitter. Criteria: CeGaT Center For Human Genetics Tuebingen Variant Classification Criteria Version 2. Collection method: clinical testing. Allele origin: germline. Affected: yes. Observed: 1 variant allele.
Comment: EXOC6B: PM2:Supporting, BP4, BP7